The following is an entry in ClinVar:

NM_022114.4(PRDM16):c.427T>A (p.Cys143Ser)

Gene: PRDM16 (PR/SET domain 16; plus strand). Cytogenetic location: 1p36.32.
Variant type: single nucleotide variant.
Coding change: c.427T>A on transcript NM_022114.4 (MANE Select); coding-DNA position 427, T replaced by A.
Protein change: p.Cys143Ser; replaces cysteine 143 with serine.
Molecular consequence: missense variant.
Genome position (GRCh38, 1-based): chr1:3,244,126, T>A. VCF-style: chr1-3244126-T-A. GRCh37 (hg19) VCF-style: chr1-3160690-T-A.
Other names: c.427T>A, p.Cys143Ser (NM_199454.3); short protein forms C143S.
Identifiers: ClinVar variation 4773981 (VCV004773981.1).

ClinVar aggregate classification (germline): Uncertain significance (1 of 4 stars; one submission).

Conditions:
Left ventricular noncompaction 8 (LVNC8). Identifiers: Orphanet 154, Orphanet 54260, MedGen C3809288, MONDO:0014152, OMIM 615373.

gnomAD v4.1: 2 of 1,613,910 alleles (0.00012%); highest among the groups gnomAD compares: Non-Finnish European, 0.00017%; no homozygotes.

Submission:

Labcorp Genetics (formerly Invitae), Labcorp
Classification: Uncertain significance for Left ventricular noncompaction 8. Last evaluated: 2025-12-28. Review status: criteria provided, single submitter. Criteria: Invitae Variant Classification Sherloc (09022015). Collection method: clinical testing. Allele origin: germline.
Comment: This sequence change replaces cysteine, which is neutral and slightly polar, with serine, which is neutral and polar, at codon 143 of the PRDM16 protein (p.Cys143Ser). This variant is not present in population databases (gnomAD no frequency). This variant has not been reported in the literature in individuals affected with PRDM16-related conditions. An algorithm developed to predict the effect of missense changes on protein structure and function (PolyPhen-2) suggests that this variant is likely to be tolerated. In summary, the available evidence is currently insufficient to determine the role of this variant in disease. Therefore, it has been classified as a Variant of Uncertain Significance.